The following is an entry in ClinVar:

ClinVar aggregate classification (germline): Uncertain significance. Review status: criteria provided, multiple submitters, no conflicts (2 of 4 stars). 2 submissions from 2 submitters: Uncertain significance (2). Last evaluated 2024-06-26.

Conditions:
Hereditary cancer-predisposing syndrome. Also called: Neoplastic Syndromes, Hereditary; Tumor predisposition; Hereditary Cancer Syndrome; Hereditary neoplastic syndrome. Identifiers: Orphanet 140162, MedGen C0027672, MeSH D009386, MONDO:0015356.
Cardiovascular phenotype. Identifiers: MedGen CN230736.

Allele frequency attached by ClinVar (database versions not stated): gnomAD exomes below 0.00001.
gnomAD v4.1: 2 of 1,613,612 alleles (0.00012%); highest among the groups gnomAD compares: Non-Finnish European, 0.00017%; no homozygotes.

Submissions (2):

Ambry Genetics
Classification: Uncertain significance for Cardiovascular phenotype; Hereditary cancer-predisposing syndrome. Last evaluated: 2024-06-26. Review status: criteria provided, single submitter. Criteria: Ambry Variant Classification Scheme 2023. Collection method: clinical testing. Allele origin: germline.
Comment: The p.S709T variant (also known as c.2125T>A), located in coding exon 18 of the LZTR1 gene, results from a T to A substitution at nucleotide position 2125. The serine at codon 709 is replaced by threonine, an amino acid with similar properties. This amino acid position is highly conserved in available vertebrate species. In addition, this alteration is predicted to be tolerated by in silico analysis. Based on the available evidence, the clinical significance of this variant remains unclear.

Labcorp Genetics (formerly Invitae), Labcorp
Classification: Uncertain significance. Last evaluated: 2023-05-22. Review status: criteria provided, single submitter. Criteria: Invitae Variant Classification Sherloc (09022015). Collection method: clinical testing. Allele origin: germline.
Comment: This sequence change replaces serine, which is neutral and polar, with threonine, which is neutral and polar, at codon 709 of the LZTR1 protein (p.Ser709Thr). This variant is not present in population databases (gnomAD no frequency). This variant has not been reported in the literature in individuals affected with LZTR1-related conditions. ClinVar contains an entry for this variant (Variation ID: 1786315). Advanced modeling of protein sequence and biophysical properties (such as structural, functional, and spatial information, amino acid conservation, physicochemical variation, residue mobility, and thermodynamic stability) performed at Invitae indicates that this missense variant is not expected to disrupt LZTR1 protein function. In summary, the available evidence is currently insufficient to determine the role of this variant in disease. Therefore, it has been classified as a Variant of Uncertain Significance.

NM_006767.4(LZTR1):c.2125T>A (p.Ser709Thr)

Gene: LZTR1 (leucine zipper like post translational regulator 1; plus strand). Cytogenetic location: 22q11.21.
Variant type: single nucleotide variant.
Coding change: c.2125T>A on transcript NM_006767.4 (MANE Select); coding-DNA position 2125, T replaced by A.
Protein change: p.Ser709Thr; replaces serine 709 with threonine.
Molecular consequence: missense variant.
Genome position (GRCh38, 1-based): chr22:20,996,018, T>A. VCF-style: chr22-20996018-T-A. GRCh37 (hg19) VCF-style: chr22-21350307-T-A.
Other names: short protein forms S709T.
Identifiers: ClinVar variation 1786315 (VCV001786315.5), dbSNP rs2518624534, ClinGen allele CA410779450.